The following is an entry in ClinVar:

ClinVar aggregate classification (germline): Pathogenic. Review status: criteria provided, single submitter (1 of 4 stars). 2 submissions from 2 submitters: Pathogenic (1). 1 of the submissions does not count toward it. Last evaluated 2025-01-17.

Conditions:
Nephrotic syndrome, type 11 (NPHS11). Identifiers: Orphanet 656, MedGen C4225228, MONDO:0014752, OMIM 616730.

Allele frequency attached by ClinVar (database versions not stated): gnomAD exomes 0.00001.

Submissions (2):

3billion
Classification: Pathogenic for Nephrotic syndrome, type 11. Last evaluated: 2025-01-17. Review status: criteria provided, single submitter. Criteria: ACMG Guidelines, 2015. Collection method: clinical testing. Allele origin: germline. Affected: yes.
Comment: The variant is observed at an extremely low frequency in the gnomAD v4.1.0 dataset (total allele frequency: <0.001%). Predicted Consequence/Location: Missense variant Functional studies provide moderate evidence of the variant having a damaging effect on the gene or gene product (PMID: 26411495). In silico tool predictions suggest damaging effect of the variant on gene or gene product [REVEL: 0.53 (>=0.6, sensitivity 0.68 and specificity 0.92); 3Cnet: 0.76 (>=0.6, sensitivity 0.72 and precision 0.9)]. The same nucleotide change resulting in the same amino acid change has been previously reported as pathogenic/likely pathogenic with strong evidence (ClinVar ID: VCV000219127 /PMID: 26411495 /3billion dataset). The variant has been reported to be in trans with a pathogenic variant as either compound heterozygous or homozygous in at least 2 similarly affected unrelated individuals (PMID: 26411495 /3billion dataset). The variant has been reported to co-segregate with the disease in at least one similarly affected relative/individual in the same family or similarly affected unrelated family (PMID: 26411495). Therefore, this variant is classified as Pathogenic (PS1_S, PS3_M, PM2_M, PM3_S, PP1_P, PP3_P) according to the recommendation of ACMG/AMP guideline.

OMIM
Classification: Pathogenic for NEPHROTIC SYNDROME, TYPE 11. Last evaluated: 2015-10-01. Review status: no assertion criteria provided. Collection method: literature only. Allele origin: germline. Not counted in ClinVar's aggregate classification.

Literature cited by the submitters: PubMed 26411495 (cited by 3billion and OMIM).

NM_020401.4(NUP107):c.2492A>C (p.Asp831Ala)

Gene: NUP107 (nucleoporin 107; plus strand). Cytogenetic location: 12q15.
Variant type: single nucleotide variant.
Coding change: c.2492A>C on transcript NM_020401.4 (MANE Select); coding-DNA position 2492, A replaced by C.
Protein change: p.Asp831Ala; replaces aspartic acid 831 with alanine.
Molecular consequence: missense variant.
Genome position (GRCh38, 1-based): chr12:68,735,334, A>C. VCF-style: chr12-68735334-A-C. GRCh37 (hg19) VCF-style: chr12-69129114-A-C.
Other names: c.2405A>C, p.Asp802Ala (NM_001330192.2); short protein forms D831A, D802A.
Identifiers: ClinVar variation 219127 (VCV000219127.3), dbSNP rs864321632, ClinGen allele CA279914.
Genomic context (GRCh38, chr12:68,735,334, plus strand): 5'-CTGATGTGAAGGAGAAAATGTATAACGTCTTGTTGTTTGTTGATGGAGGGTGGATGGTGG[A>C]TGTTAGAGAGGTAAGCTGTGTGCATTGTTTATAGCCAAAAACCAAAACACTCACCATGTT-3'
Protein context (NP_065134.1, residues 821-841): LLFVDGGWMV[Asp831Ala]VREDAKEDHE